The following is an entry in ClinVar:

ClinVar aggregate classification (germline): Uncertain significance (1 of 4 stars; one submission).

Conditions:
Familial thoracic aortic aneurysm and aortic dissection (TAAD). Also called: Thoracic aortic aneurysms and dissections. Identifiers: Orphanet 91387, MedGen C4707243, MONDO:0019625.

Submission:

Color Diagnostics, LLC DBA Color Health
Classification: Uncertain significance for Familial thoracic aortic aneurysm and aortic dissection. Last evaluated: 2023-12-05. Review status: criteria provided, single submitter. Criteria: ACMG Guidelines, 2015. Collection method: clinical testing. Allele origin: germline.
Comment: This missense variant replaces serine with leucine at codon 2709 of the FBN1 protein. Computational prediction tools and conservation analyses are inconclusive regarding the impact of this variant on the protein function. Computational splicing tools suggest that this variant may not impact RNA splicing. To our knowledge, functional assays have not been performed for this variant nor has this variant been reported in individuals affected with cardiovascular disorders in the literature. This variant has not been identified in the general population by the Genome Aggregation Database (gnomAD). Available evidence is insufficient to determine the role of this variant in disease conclusively. Therefore, this variant is classified as a Variant of Uncertain Significance.

NM_000138.5(FBN1):c.8126C>T (p.Ser2709Leu)

Gene: FBN1 (fibrillin 1; minus strand). Cytogenetic location: 15q21.1.
Variant type: single nucleotide variant.
Coding change: c.8126C>T on transcript NM_000138.5 (MANE Select); coding-DNA position 8126, C replaced by T.
Protein change: p.Ser2709Leu; replaces serine 2709 with leucine.
Molecular consequence: missense variant.
Genome position (GRCh38, 1-based): chr15:48,412,669, G>A on the plus strand (C>T on the coding strand, the complement: FBN1 is on the minus strand). VCF-style: chr15-48412669-G-A. GRCh37 (hg19) VCF-style: chr15-48704866-G-A.
Other names: short protein forms S2709L.
Identifiers: ClinVar variation 921811 (VCV000921811.5), dbSNP rs2042873190, ClinGen allele CA392321293.
Genomic context (GRCh38, chr15:48,412,669, plus strand): 5'-TTCCTGCCCCGTTTGGGGTAGCCATTGATCTTACACTCGTAACAAGCCTCTGGGGAGAGT[G>A]AATTGTCATCCATTTCACCACTGACAGGTGGCTCTGGGTTTCCTCGGCCCATGCCCATTC-3'
Protein context (NP_000129.3, residues 2699-2719): PPVSGEMDDN[Ser2709Leu]LSPEACYECK